The following is an entry in ClinVar:

ClinVar aggregate classification (germline): Uncertain significance (1 of 4 stars; one submission).

gnomAD v4.1: 6 of 1,614,084 alleles (0.00037%); highest among the groups gnomAD compares: African/African-American, 0.0013%; no homozygotes.

Submission:

Labcorp Genetics (formerly Invitae), Labcorp
Classification: Uncertain significance. Last evaluated: 2024-05-28. Review status: criteria provided, single submitter. Criteria: Invitae Variant Classification Sherloc (09022015). Collection method: clinical testing. Allele origin: germline.
Comment: This sequence change replaces arginine, which is basic and polar, with glutamine, which is neutral and polar, at codon 115 of the LCT protein (p.Arg115Gln). This variant is not present in population databases (gnomAD no frequency). This variant has not been reported in the literature in individuals affected with LCT-related conditions. Algorithms developed to predict the effect of missense changes on protein structure and function output the following: SIFT: "Not Available"; PolyPhen-2: "Benign"; Align-GVGD: "Not Available". The glutamine amino acid residue is found in multiple mammalian species, which suggests that this missense change does not adversely affect protein function. In summary, the available evidence is currently insufficient to determine the role of this variant in disease. Therefore, it has been classified as a Variant of Uncertain Significance.

NM_002299.4(LCT):c.344G>A (p.Arg115Gln)

Gene: LCT (lactase; minus strand). Cytogenetic location: 2q21.3.
Variant type: single nucleotide variant.
Coding change: c.344G>A on transcript NM_002299.4 (MANE Select); coding-DNA position 344, G replaced by A.
Protein change: p.Arg115Gln; replaces arginine 115 with glutamine.
Molecular consequence: missense variant.
Genome position (GRCh38, 1-based): chr2:135,836,826, C>T on the plus strand (G>A on the coding strand, the complement: LCT is on the minus strand). VCF-style: chr2-135836826-C-T. GRCh37 (hg19) VCF-style: chr2-136594396-C-T.
Other names: short protein forms R115Q.
Identifiers: ClinVar variation 3679790 (VCV003679790.2).